The following is an entry in ClinVar:

ClinVar aggregate classification (germline): Uncertain significance (1 of 4 stars; one submission).

Conditions:
Neutral lipid storage myopathy (NLSDM). Also called: NEUTRAL LIPID STORAGE DISEASE WITHOUT ICHTHYOSIS. Identifiers: Orphanet 98908, MedGen C1853136, MONDO:0012545, OMIM 610717.

Allele frequency attached by ClinVar (database versions not stated): gnomAD exomes 0.00001 and 0.00004; ExAC 0.00004; gnomAD 0.00010 and 0.00011; TOPMed 0.00011; ESP Exome Variant Server 0.00015; 1000 Genomes Project 30x 0.00031; 1000 Genomes Project 0.00040.
gnomAD v4.1: 23 of 1,611,302 alleles (0.0014%); highest among the groups gnomAD compares: African/African-American, 0.029%; no homozygotes.

Submission:

Labcorp Genetics (formerly Invitae), Labcorp
Classification: Uncertain significance for Neutral lipid storage myopathy. Last evaluated: 2022-03-02. Review status: criteria provided, single submitter. Criteria: Invitae Variant Classification Sherloc (09022015). Collection method: clinical testing. Allele origin: germline.
Comment: This sequence change falls in intron 3 of the PNPLA2 gene. It does not directly change the encoded amino acid sequence of the PNPLA2 protein. It affects a nucleotide within the consensus splice site. This variant is present in population databases (rs181493886, gnomAD 0.03%). This variant has not been reported in the literature in individuals affected with PNPLA2-related conditions. ClinVar contains an entry for this variant (Variation ID: 660763). Variants that disrupt the consensus splice site are a relatively common cause of aberrant splicing (PMID: 17576681, 9536098). Algorithms developed to predict the effect of sequence changes on RNA splicing suggest that this variant is not likely to affect RNA splicing. In summary, the available evidence is currently insufficient to determine the role of this variant in disease. Therefore, it has been classified as a Variant of Uncertain Significance.

Literature cited by the submitters: PubMed 17576681; PubMed 9536098.

NM_020376.4(PNPLA2):c.420+6G>T

Gene: PNPLA2 (patatin like domain 2, triacylglycerol lipase; plus strand). Cytogenetic location: 11p15.5.
Variant type: single nucleotide variant.
Coding change: c.420+6G>T on transcript NM_020376.4 (MANE Select); 6 bases into the intron after coding-DNA position 420, G replaced by T.
Molecular consequence: intron variant.
Genome position (GRCh38, 1-based): chr11:821,866, G>T. VCF-style: chr11-821866-G-T. GRCh37 (hg19) VCF-style: chr11-821866-G-T.
Identifiers: ClinVar variation 660763 (VCV000660763.4), dbSNP rs181493886, ClinGen allele CA5790963.